The following is an entry in ClinVar:

NM_002296.4(LBR):c.697T>C (p.Cys233Arg)

Gene: LBR (lamin B receptor; minus strand). Cytogenetic location: 1q42.12.
Variant type: single nucleotide variant.
Coding change: c.697T>C on transcript NM_002296.4 (MANE Select); coding-DNA position 697, T replaced by C.
Protein change: p.Cys233Arg; replaces cysteine 233 with arginine.
Molecular consequence: missense variant.
Genome position (GRCh38, 1-based): chr1:225,418,124, A>G on the plus strand (T>C on the coding strand, the complement: LBR is on the minus strand). VCF-style: chr1-225418124-A-G. GRCh37 (hg19) VCF-style: chr1-225605826-A-G.
Other names: c.697T>C, p.Cys233Arg (NM_194442.3); short protein forms C233R.
Identifiers: ClinVar variation 4881589 (VCV004881589.2).
Genomic context (GRCh38, chr1:225,418,124, plus strand): 5'-ACTCATACAAAGCTGGCAAAGGAGGAGGGAAATTCAGAAGACTGGGATCTTTCTGTTTAC[A>G]CATCAACAGCAACAGGAAGAGGAACACAGGCAGGCCAAACATGATGAGAAACACACCTGC-3'
Protein context (NP_002287.2, residues 223-243): PVFLFLLLLM[Cys233Arg]KQKDPSLLNF

ClinVar aggregate classification (germline): Uncertain significance (1 of 4 stars; one submission).

Submission:

Dasa
Classification: Uncertain significance. Last evaluated: 2024-08-18. Review status: criteria provided, single submitter. Criteria: DASA Assertion Criteria. Collection method: clinical testing. Allele origin: germline.
Comment: NM_002296.4(LBR):c.697T>C (p.Cys233Arg) is a missense variant that results in the substitution of cysteine with arginine. This variant is rare in population databases. Computational prediction algorithms are consistent with a deleterious effect. The currently available literature and clinical evidence are not sufficient to establish a definitive association between this variant and the reported condition. Therefore, this variant is classified as a variant of uncertain significance.